The following is an entry in ClinVar:

NM_001289808.2(CRYAB):c.388C>T (p.Pro130Ser)

Gene: CRYAB (crystallin alpha B; minus strand). Cytogenetic location: 11q23.1.
Variant type: single nucleotide variant.
Coding change: c.388C>T on transcript NM_001289808.2 (MANE Select); coding-DNA position 388, C replaced by T.
Protein change: p.Pro130Ser; replaces proline 130 with serine.
Molecular consequence: missense variant.
Genome position (GRCh38, 1-based): chr11:111,908,904, G>A on the plus strand (C>T on the coding strand, the complement: CRYAB is on the minus strand). VCF-style: chr11-111908904-G-A. GRCh37 (hg19) VCF-style: chr11-111779628-G-A.
Other names: c.388C>T, p.Pro130Ser (NM_001289807.1, NM_001368245.1, NM_001885.3); c.187C>T, p.Pro63Ser (NM_001330379.1, NM_001368246.1); short protein forms P130S, P63S.
Identifiers: ClinVar variation 3728369 (VCV003728369.2).
Genomic context (GRCh38, chr11:111,908,904, plus strand): 5'-TCCTTGGTCCATTCACAGTGAGGACCCCATCAGATGACAGGGATGAAGTAATGGTGAGAG[G>A]GTCTACATCAGCTGGGATCCGGTATTTCCTGTGGAACTCCCTGGAGATGAAACCATGTTC-3'
Protein context (NP_001276737.1, residues 120-140): RKYRIPADVD[Pro130Ser]LTITSSLSSD

ClinVar aggregate classification (germline): Uncertain significance (1 of 4 stars; one submission).

Conditions:
Dilated cardiomyopathy 1II (CMD1II). Identifiers: Orphanet 154, MedGen C3554649, MONDO:0014073, OMIM 615184.

Submission:

Labcorp Genetics (formerly Invitae), Labcorp
Classification: Uncertain significance for Dilated cardiomyopathy 1II. Last evaluated: 2024-12-31. Review status: criteria provided, single submitter. Criteria: Invitae Variant Classification Sherloc (09022015). Collection method: clinical testing. Allele origin: germline.
Comment: This sequence change replaces proline, which is neutral and non-polar, with serine, which is neutral and polar, at codon 130 of the CRYAB protein (p.Pro130Ser). This variant is not present in population databases (gnomAD no frequency). This variant has not been reported in the literature in individuals affected with CRYAB-related conditions. An algorithm developed to predict the effect of missense changes on protein structure and function (PolyPhen-2) suggests that this variant is likely to be tolerated. In summary, the available evidence is currently insufficient to determine the role of this variant in disease. Therefore, it has been classified as a Variant of Uncertain Significance.